The following is an entry in ClinVar:

NM_001372.4(DNAH9):c.7814G>A (p.Arg2605Gln)

Gene: DNAH9 (dynein axonemal heavy chain 9; plus strand). Cytogenetic location: 17p12.
Variant type: single nucleotide variant.
Coding change: c.7814G>A on transcript NM_001372.4 (MANE Select); coding-DNA position 7814, G replaced by A.
Protein change: p.Arg2605Gln; replaces arginine 2605 with glutamine.
Molecular consequence: missense variant.
Genome position (GRCh38, 1-based): chr17:11,783,741, G>A. VCF-style: chr17-11783741-G-A. GRCh37 (hg19) VCF-style: chr17-11687058-G-A.
Other names: short protein forms R2605Q.
Identifiers: ClinVar variation 4705455 (VCV004705455.1).

ClinVar aggregate classification (germline): Uncertain significance (1 of 4 stars; one submission).

gnomAD v4.1: 57 of 1,613,896 alleles (0.0035%); highest among the groups gnomAD compares: Non-Finnish European, 0.0043%; no homozygotes.

Submission:

Labcorp Genetics (formerly Invitae), Labcorp
Classification: Uncertain significance. Last evaluated: 2025-08-04. Review status: criteria provided, single submitter. Criteria: Invitae Variant Classification Sherloc (09022015). Collection method: clinical testing. Allele origin: germline.
Comment: This sequence change replaces arginine, which is basic and polar, with glutamine, which is neutral and polar, at codon 2605 of the DNAH9 protein (p.Arg2605Gln). This variant is present in population databases (rs774998789, gnomAD 0.004%). This missense change has been observed in individual(s) with primary ciliary dyskinesia (internal data). Invitae Evidence Modeling of protein sequence and biophysical properties (such as structural, functional, and spatial information, amino acid conservation, physicochemical variation, residue mobility, and thermodynamic stability) indicates that this missense variant is expected to disrupt DNAH9 protein function with a positive predictive value of 80%. In summary, the available evidence is currently insufficient to determine the role of this variant in disease. Therefore, it has been classified as a Variant of Uncertain Significance.